The following is an entry in ClinVar:

ClinVar aggregate classification (germline): Uncertain significance (1 of 4 stars; one submission).

Conditions:
Kabuki syndrome. Also called: Kabuki make-up syndrome; NIIKAWA-KUROKI SYNDROME. Identifiers: Orphanet 2322, MedGen C0796004, MONDO:0016512.

Submission:

Labcorp Genetics (formerly Invitae), Labcorp
Classification: Uncertain significance for Kabuki syndrome. Last evaluated: 2022-03-14. Review status: criteria provided, single submitter. Criteria: Invitae Variant Classification Sherloc (09022015). Collection method: clinical testing. Allele origin: germline.
Comment: In summary, the available evidence is currently insufficient to determine the role of this variant in disease. Therefore, it has been classified as a Variant of Uncertain Significance. Advanced modeling of protein sequence and biophysical properties (such as structural, functional, and spatial information, amino acid conservation, physicochemical variation, residue mobility, and thermodynamic stability) performed at Invitae indicates that this missense variant is not expected to disrupt KMT2D protein function. This variant has not been reported in the literature in individuals affected with KMT2D-related conditions. This variant is not present in population databases (gnomAD no frequency). This sequence change replaces leucine, which is neutral and non-polar, with proline, which is neutral and non-polar, at codon 4152 of the KMT2D protein (p.Leu4152Pro).

NM_003482.4(KMT2D):c.12455T>C (p.Leu4152Pro)

Gene: KMT2D (lysine methyltransferase 2D; minus strand). Cytogenetic location: 12q13.12.
Variant type: single nucleotide variant.
Coding change: c.12455T>C on transcript NM_003482.4 (MANE Select); coding-DNA position 12455, T replaced by C.
Protein change: p.Leu4152Pro; replaces leucine 4152 with proline.
Molecular consequence: missense variant.
Genome position (GRCh38, 1-based): chr12:49,032,250, A>G on the plus strand (T>C on the coding strand, the complement: KMT2D is on the minus strand). VCF-style: chr12-49032250-A-G. GRCh37 (hg19) VCF-style: chr12-49426033-A-G.
Other names: short protein forms L4152P.
Identifiers: ClinVar variation 2111517 (VCV002111517.4), dbSNP rs2498356917, ClinGen allele CA384711448.